The following is an entry in ClinVar:

NM_000551.4(VHL):c.191G>A (p.Arg64His)

Gene: VHL (von Hippel-Lindau tumor suppressor; plus strand). Cytogenetic location: 3p25.3.
Variant type: single nucleotide variant.
Coding change: c.191G>A on transcript NM_000551.4 (MANE Select); coding-DNA position 191, G replaced by A.
Protein change: p.Arg64His; replaces arginine 64 with histidine.
Molecular consequence: missense variant.
Genome position (GRCh38, 1-based): chr3:10,142,038, G>A. VCF-style: chr3-10142038-G-A. GRCh37 (hg19) VCF-style: chr3-10183722-G-A.
Other names: c.191G>A, p.Arg64His (NM_001354723.2, NM_198156.3); short protein forms R64H.
Identifiers: ClinVar variation 135952 (VCV000135952.27), dbSNP rs104893826, ClinGen allele CA020083.

ClinVar aggregate classification (germline): Conflicting classifications of pathogenicity. Review status: criteria provided, conflicting classifications (1 of 4 stars). 6 submissions from 6 submitters: Likely pathogenic (1); Uncertain significance (5). Last evaluated 2026-01-10.

Conditions:
Chuvash polycythemia. Also called: POLYCYTHEMIA, VHL-DEPENDENT. Identifiers: Orphanet 238557, MedGen C1837915, MONDO:0009892, OMIM 263400.
Von Hippel-Lindau syndrome (VHLS). Also called: Von Hippel-Lindau; von Hippel–Lindau syndrome; VHL syndrome. Identifiers: Orphanet 892, MedGen C0019562, MONDO:0008667, OMIM 193300. Disease mechanism: loss of function.
Hereditary cancer-predisposing syndrome. Also called: Tumor predisposition; Hereditary neoplastic syndrome; Hereditary Cancer Syndrome; Neoplastic Syndromes, Hereditary. Identifiers: Orphanet 140162, MedGen C0027672, MeSH D009386, MONDO:0015356.

Submissions (6):

Labcorp Genetics (formerly Invitae), Labcorp
Classification: Likely pathogenic for Von Hippel-Lindau syndrome; Chuvash polycythemia. Last evaluated: 2026-01-10. Review status: criteria provided, single submitter. Criteria: Invitae Variant Classification Sherloc (09022015). Collection method: clinical testing. Allele origin: germline.
Comment: This sequence change replaces arginine, which is basic and polar, with histidine, which is basic and polar, at codon 64 of the VHL protein (p.Arg64His). This variant is not present in population databases (gnomAD no frequency). This variant has not been reported in the literature in individuals affected with VHL-related conditions. ClinVar contains an entry for this variant (Variation ID: 135952). Invitae Evidence Modeling of protein sequence and biophysical properties (such as structural, functional, and spatial information, amino acid conservation, physicochemical variation, residue mobility, and thermodynamic stability) indicates that this missense variant is expected to disrupt VHL protein function with a positive predictive value of 95%. This variant disrupts the p.Arg64 amino acid residue in VHL. Other variant(s) that disrupt this residue have been determined to be pathogenic (PMID: 9663592, 11331612, 19336503, 24555745). This suggests that this residue is clinically significant, and that variants that disrupt this residue are likely to be disease-causing. In summary, the currently available evidence indicates that the variant is pathogenic, but additional data are needed to prove that conclusively. Therefore, this variant has been classified as Likely Pathogenic.

Ambry Genetics
Classification: Uncertain significance for Hereditary cancer-predisposing syndrome. Last evaluated: 2025-12-23. Review status: criteria provided, single submitter. Criteria: Ambry Variant Classification Scheme 2023. Collection method: clinical testing. Allele origin: germline.
Comment: The p.R64H variant (also known as c.191G>A), located in coding exon 1 of the VHL gene, results from a G to A substitution at nucleotide position 191. The arginine at codon 64 is replaced by histidine, an amino acid with highly similar properties. This amino acid position is highly conserved in available vertebrate species. In addition, this alteration is predicted to be deleterious by in silico analysis. This variant was determined to be functionally indeterminant in one saturation genome editing assay (Buckley M et al. Nat Genet, 2024 Jul;56:1446-1455). Based on the available evidence, the clinical significance of this variant remains unclear.

CeGaT Center for Human Genetics Tuebingen
Classification: Uncertain significance. Last evaluated: 2024-11-01. Review status: criteria provided, single submitter. Criteria: CeGaT Center For Human Genetics Tuebingen Variant Classification Criteria Version 2. Collection method: clinical testing. Allele origin: germline. Affected: yes. Observed: 1 variant allele.
Comment: VHL: PM2, PM5, PP3

All of Us Research Program, National Institutes of Health
Classification: Uncertain significance for Von Hippel-Lindau syndrome. Last evaluated: 2024-08-06. Review status: criteria provided, single submitter. Criteria: ACMG Guidelines, 2015. Collection method: clinical testing. Allele origin: germline. Inheritance: Autosomal dominant inheritance. Observed: 1 variant allele, 1 heterozygote.
Comment: This study involves interpretation of variants in research participants for the purpose of population health screening. Participant phenotype was not available at the time of variant classification. Additional details can be found in publication PMID: 35346344, PMCID: PMC8962531

Baylor Genetics
Classification: Uncertain significance for Chuvash polycythemia. Last evaluated: 2023-12-18. Review status: criteria provided, single submitter. Criteria: ACMG Guidelines, 2015. Collection method: clinical testing. Allele origin: unknown.

GeneDx
Classification: Uncertain significance. Last evaluated: 2019-06-25. Review status: criteria provided, single submitter. Criteria: GeneDx Variant Classification Process June 2021. Collection method: clinical testing. Allele origin: germline. Affected: yes.
Comment: Not observed in large population cohorts (Lek et al., 2016); Has not been previously published as pathogenic or benign to our knowledge

Literature cited by the submitters: PubMed 9663592 (cited by Labcorp Genetics (formerly Invitae), Labcorp); PubMed 11331612 (cited by Labcorp Genetics (formerly Invitae), Labcorp); PubMed 19336503 (cited by Labcorp Genetics (formerly Invitae), Labcorp); PubMed 24555745 (cited by Labcorp Genetics (formerly Invitae), Labcorp); PubMed 38969834 (cited by Ambry Genetics).